The following is an entry in ClinVar:

NM_001372.4(DNAH9):c.9302A>G (p.Asn3101Ser)

Gene: DNAH9 (dynein axonemal heavy chain 9; plus strand). Cytogenetic location: 17p12.
Variant type: single nucleotide variant.
Coding change: c.9302A>G on transcript NM_001372.4 (MANE Select); coding-DNA position 9302, A replaced by G.
Protein change: p.Asn3101Ser; replaces asparagine 3101 with serine.
Molecular consequence: missense variant.
Genome position (GRCh38, 1-based): chr17:11,834,693, A>G. VCF-style: chr17-11834693-A-G. GRCh37 (hg19) VCF-style: chr17-11738010-A-G.
Other names: c.9302A>G (NM_001372.3); short protein forms N3101S.
Identifiers: ClinVar variation 1369167 (VCV001369167.11), dbSNP rs776902622, ClinGen allele CA8397190.

ClinVar aggregate classification (germline): Uncertain significance. Review status: criteria provided, multiple submitters, no conflicts (2 of 4 stars). 3 submissions from 3 submitters: Uncertain significance (3). Last evaluated 2026-01-26.

Conditions:
Inborn genetic diseases. Identifiers: MedGen C0950123, MeSH D030342.

Allele frequency attached by ClinVar (database versions not stated): TOPMed 0.00001; gnomAD exomes 0.00006 and 0.00005; gnomAD 0.00004; ExAC 0.00006.
gnomAD v4.1: 75 of 1,613,978 alleles (0.0046%); highest among the groups gnomAD compares: South Asian, 0.078%; no homozygotes.

Submissions (3):

GeneDx
Classification: Uncertain significance. Last evaluated: 2026-01-26. Review status: criteria provided, single submitter. Criteria: GeneDx Variant Classification Process June 2021. Collection method: clinical testing. Allele origin: germline.
Comment: In silico analysis supports that this missense variant has a deleterious effect on protein structure/function; Has not been previously published as pathogenic or benign to our knowledge

Labcorp Genetics (formerly Invitae), Labcorp
Classification: Uncertain significance. Last evaluated: 2025-09-02. Review status: criteria provided, single submitter. Criteria: Invitae Variant Classification Sherloc (09022015). Collection method: clinical testing. Allele origin: germline.
Comment: This sequence change replaces asparagine, which is neutral and polar, with serine, which is neutral and polar, at codon 3101 of the DNAH9 protein (p.Asn3101Ser). This variant is present in population databases (rs776902622, gnomAD 0.05%). This variant has not been reported in the literature in individuals affected with DNAH9-related conditions. ClinVar contains an entry for this variant (Variation ID: 1369167). Invitae Evidence Modeling of protein sequence and biophysical properties (such as structural, functional, and spatial information, amino acid conservation, physicochemical variation, residue mobility, and thermodynamic stability) indicates that this missense variant is not expected to disrupt DNAH9 protein function with a negative predictive value of 80%. In summary, the available evidence is currently insufficient to determine the role of this variant in disease. Therefore, it has been classified as a Variant of Uncertain Significance.

Ambry Genetics
Classification: Uncertain significance for Inborn genetic diseases. Last evaluated: 2024-03-07. Review status: criteria provided, single submitter. Criteria: Ambry Variant Classification Scheme 2023. Collection method: clinical testing. Allele origin: germline.